The following is an entry in ClinVar:

ClinVar aggregate classification (germline): Likely benign (1 of 4 stars; one submission).

Allele frequency attached by ClinVar (database versions not stated): ExAC 0.00007; ESP Exome Variant Server 0.00009; 1000 Genomes Project 30x 0.00021; 1000 Genomes Project 0.00026.

Submission:

CeGaT Center for Human Genetics Tuebingen
Classification: Likely benign. Last evaluated: 2022-07-01. Review status: criteria provided, single submitter. Criteria: CeGaT Center For Human Genetics Tuebingen Variant Classification Criteria Version 2. Collection method: clinical testing. Allele origin: germline. Affected: yes. Observed: 1 variant allele.
Comment: TREX2: BP4, BP7

NM_080701.4(TREX2):c.288C>T (p.Ala96=)

Gene: TREX2 (three prime repair exonuclease 2; minus strand). Cytogenetic location: Xq28.
Variant type: single nucleotide variant.
Coding change: c.288C>T on transcript NM_080701.4 (MANE Select); coding-DNA position 288, C replaced by T.
Protein change: p.Ala96=; no amino-acid change (alanine 96 retained).
Molecular consequence: synonymous variant.
Genome position (GRCh38, 1-based): chrX:153,445,143, G>A on the plus strand (C>T on the coding strand, the complement: TREX2 is on the minus strand). VCF-style: chrX-153445143-G-A. GRCh37 (hg19) VCF-style: chrX-152710601-G-A.
Other names: c.288C>T, p.Ala96= (NM_007205.3).
Identifiers: ClinVar variation 2661690 (VCV002661690.24), dbSNP rs370065322, ClinGen allele CA10546578.